The following is an entry in ClinVar:

ClinVar aggregate classification (germline): Uncertain significance (1 of 4 stars; one submission).

Conditions:
Hereditary cancer-predisposing syndrome. Also called: Hereditary neoplastic syndrome; Neoplastic Syndromes, Hereditary; Tumor predisposition; Hereditary Cancer Syndrome. Identifiers: Orphanet 140162, MedGen C0027672, MeSH D009386, MONDO:0015356.

Submission:

Ambry Genetics
Classification: Uncertain significance for Hereditary cancer-predisposing syndrome. Last evaluated: 2025-01-25. Review status: criteria provided, single submitter. Criteria: Ambry Variant Classification Scheme 2023. Collection method: clinical testing. Allele origin: germline.
Comment: The p.I651L variant (also known as c.1951A>C), located in coding exon 13 of the BRIP1 gene, results from an A to C substitution at nucleotide position 1951. The isoleucine at codon 651 is replaced by leucine, an amino acid with highly similar properties. This amino acid position is conserved. In addition, this alteration is predicted to be tolerated by in silico analysis. Based on the available evidence, the clinical significance of this variant remains unclear.

NM_032043.3(BRIP1):c.1951A>C (p.Ile651Leu)

Gene: BRIP1 (BRCA1 interacting DNA helicase 1; minus strand). Cytogenetic location: 17q23.2.
Variant type: single nucleotide variant.
Coding change: c.1951A>C on transcript NM_032043.3 (MANE Select); coding-DNA position 1951, A replaced by C.
Protein change: p.Ile651Leu; replaces isoleucine 651 with leucine.
Molecular consequence: missense variant.
Genome position (GRCh38, 1-based): chr17:61,776,547, T>G on the plus strand (A>C on the coding strand, the complement: BRIP1 is on the minus strand). VCF-style: chr17-61776547-T-G. GRCh37 (hg19) VCF-style: chr17-59853908-T-G.
Other names: short protein forms I651L.
Identifiers: ClinVar variation 3825681 (VCV003825681.1).